The following is an entry in ClinVar:

NM_005188.4(CBL):c.747G>A (p.Gln249=)

Gene: CBL (Cbl proto-oncogene; plus strand). Cytogenetic location: 11q23.3.
Variant type: single nucleotide variant.
Coding change: c.747G>A on transcript NM_005188.4 (MANE Select); coding-DNA position 747, G replaced by A.
Protein change: p.Gln249=; no amino-acid change (glutamine 249 retained).
Molecular consequence: synonymous variant.
Genome position (GRCh38, 1-based): chr11:119,274,024, G>A. VCF-style: chr11-119274024-G-A. GRCh37 (hg19) VCF-style: chr11-119144734-G-A.
Identifiers: ClinVar variation 945949 (VCV000945949.7), dbSNP rs1949869019, ClinGen allele CA477129972.

ClinVar aggregate classification (germline): Uncertain significance (1 of 4 stars; one submission).

Conditions:
RASopathy. Also called: rasopathies; Noonan spectrum disorder. Identifiers: Orphanet 536391, MedGen C5555857, MONDO:0021060.

Submission:

Labcorp Genetics (formerly Invitae), Labcorp
Classification: Uncertain significance for RASopathy. Last evaluated: 2022-08-23. Review status: criteria provided, single submitter. Criteria: Invitae Variant Classification Sherloc (09022015). Collection method: clinical testing. Allele origin: germline.
Comment: ClinVar contains an entry for this variant (Variation ID: 945949). In summary, the available evidence is currently insufficient to determine the role of this variant in disease. Therefore, it has been classified as a Variant of Uncertain Significance. Variants that disrupt the consensus splice site are a relatively common cause of aberrant splicing (PMID: 17576681, 9536098). Algorithms developed to predict the effect of sequence changes on RNA splicing suggest that this variant may disrupt the consensus splice site. This variant has not been reported in the literature in individuals affected with CBL-related conditions. This variant is not present in population databases (gnomAD no frequency). This sequence change affects codon 249 of the CBL mRNA. It is a 'silent' change, meaning that it does not change the encoded amino acid sequence of the CBL protein. This variant also falls at the last nucleotide of exon 4, which is part of the consensus splice site for this exon.

Literature cited by the submitters: PubMed 17576681; PubMed 9536098.